The following is an entry in ClinVar:

ClinVar aggregate classification (germline): Uncertain significance (1 of 4 stars; one submission).

Submission:

Labcorp Genetics (formerly Invitae), Labcorp
Classification: Uncertain significance. Last evaluated: 2024-05-08. Review status: criteria provided, single submitter. Criteria: Invitae Variant Classification Sherloc (09022015). Collection method: clinical testing. Allele origin: germline.
Comment: This sequence change replaces histidine, which is basic and polar, with tyrosine, which is neutral and polar, at codon 161 of the MSN protein (p.His161Tyr). This variant is not present in population databases (gnomAD no frequency). This variant has not been reported in the literature in individuals affected with MSN-related conditions. An algorithm developed to predict the effect of missense changes on protein structure and function (PolyPhen-2) suggests that this variant is likely to be disruptive. In summary, the available evidence is currently insufficient to determine the role of this variant in disease. Therefore, it has been classified as a Variant of Uncertain Significance.

NM_002444.3(MSN):c.481C>T (p.His161Tyr)

Gene: MSN (moesin; plus strand). Cytogenetic location: Xq12.
Variant type: single nucleotide variant.
Coding change: c.481C>T on transcript NM_002444.3 (MANE Select); coding-DNA position 481, C replaced by T.
Protein change: p.His161Tyr; replaces histidine 161 with tyrosine.
Molecular consequence: missense variant.
Genome position (GRCh38, 1-based): chrX:65,731,120, C>T. VCF-style: chrX-65731120-C-T. GRCh37 (hg19) VCF-style: chrX-64950982-C-T.
Other names: short protein forms H161Y.
Identifiers: ClinVar variation 2758905 (VCV002758905.3), dbSNP rs2523004517, ClinGen allele CA413415866.